The following is an entry in ClinVar:

NM_002528.7(NTHL1):c.318G>T (p.Gly106=)

Gene: NTHL1 (nth like DNA glycosylase 1; minus strand). Cytogenetic location: 16p13.3.
Variant type: single nucleotide variant.
Coding change: c.318G>T on transcript NM_002528.7 (MANE Select); coding-DNA position 318, G replaced by T.
Protein change: p.Gly106=; no amino-acid change (glycine 106 retained).
Molecular consequence: synonymous variant. On other transcripts: intron variant (1).
Genome position (GRCh38, 1-based): chr16:2,046,164, C>A on the plus strand (G>T on the coding strand, the complement: NTHL1 is on the minus strand). VCF-style: chr16-2046164-C-A. GRCh37 (hg19) VCF-style: chr16-2096165-C-A.
Other names: c.318G>T, p.Gly106= (NM_001318193.2); c.24+116G>T (NM_001318194.2).
Identifiers: ClinVar variation 1731366 (VCV001731366.3), dbSNP rs1596222612, ClinGen allele CA492953226.
Genomic context (GRCh38, chr16:2,046,164, plus strand): 5'-TGGGCAGATGGGGCCCCTGCCTACCTTTGGGGGGGCACTGGAGTCATAGCAGTGCTCAGT[C>A]CCCAGATGGTCCACAGGTGCATCCTTTTTGTTCCTCATGGCACGGATGTTGACCAGCTGT-3'
Protein context (NP_002519.2, residues 96-116): NKKDAPVDHL[Gly106=]TEHCYDSSAP

ClinVar aggregate classification (germline): Conflicting classifications of pathogenicity. Review status: criteria provided, conflicting classifications (1 of 4 stars). 2 submissions from 2 submitters: Uncertain significance (1); Likely benign (1). Last evaluated 2025-08-03.

Conditions:
Hereditary cancer-predisposing syndrome. Also called: Neoplastic Syndromes, Hereditary; Tumor predisposition; Hereditary Cancer Syndrome; Hereditary neoplastic syndrome. Identifiers: Orphanet 140162, MedGen C0027672, MeSH D009386, MONDO:0015356.

Submissions (2):

Labcorp Genetics (formerly Invitae), Labcorp
Classification: Likely benign. Last evaluated: 2025-08-03. Review status: criteria provided, single submitter. Criteria: Invitae Variant Classification Sherloc (09022015). Collection method: clinical testing. Allele origin: germline.

Ambry Genetics
Classification: Uncertain significance for Hereditary cancer-predisposing syndrome. Last evaluated: 2021-01-12. Review status: criteria provided, single submitter. Criteria: Ambry Variant Classification Scheme 2023. Collection method: clinical testing. Allele origin: germline.
Comment: The c.342G>T variant (also known as p.G114G), located in coding exon 2 of the NTHL1 gene, results from a G to T substitution at nucleotide position 342. This nucleotide substitution does not change the glycine at codon 114. This nucleotide position is not well conserved in available vertebrate species. In silico splice site analysis predicts that this alteration may result in the creation or strengthening of a novel splice donor site. Since supporting evidence is limited at this time, the clinical significance of this alteration remains unclear.